The following is an entry in ClinVar:

ClinVar aggregate classification (germline): Uncertain significance. Review status: criteria provided, multiple submitters, no conflicts (2 of 4 stars). 2 submissions from 2 submitters: Uncertain significance (2). Last evaluated 2024-10-17.

Conditions:
Hereditary sensory neuropathy-deafness-dementia syndrome. Also called: NEUROPATHY, HEREDITARY SENSORY, WITH HEARING LOSS AND DEMENTIA; Hereditary Sensory and Autonomic Neuropathy Type 1E (HSAN1E); Hereditary sensory neuropathy type IE; HSN IE. Identifiers: Orphanet 456318, MedGen C3279885, MONDO:0013584, OMIM 614116.

Allele frequency attached by ClinVar (database versions not stated): TOPMed 0.00002; gnomAD 0.00003.
gnomAD v4.1: 12 of 1,613,936 alleles (0.00074%); highest among the groups gnomAD compares: African/African-American, 0.0067%; no homozygotes.

Submissions (2):

Labcorp Genetics (formerly Invitae), Labcorp
Classification: Uncertain significance for Hereditary sensory neuropathy-deafness-dementia syndrome. Last evaluated: 2024-10-17. Review status: criteria provided, single submitter. Criteria: Invitae Variant Classification Sherloc (09022015). Collection method: clinical testing. Allele origin: germline.
Comment: This sequence change replaces arginine, which is basic and polar, with histidine, which is basic and polar, at codon 914 of the DNMT1 protein (p.Arg914His). This variant is present in population databases (rs756944531, gnomAD 0.004%). This variant has not been reported in the literature in individuals affected with DNMT1-related conditions. ClinVar contains an entry for this variant (Variation ID: 1408748). Invitae Evidence Modeling of protein sequence and biophysical properties (such as structural, functional, and spatial information, amino acid conservation, physicochemical variation, residue mobility, and thermodynamic stability) indicates that this missense variant is not expected to disrupt DNMT1 protein function with a negative predictive value of 80%. In summary, the available evidence is currently insufficient to determine the role of this variant in disease. Therefore, it has been classified as a Variant of Uncertain Significance.

GeneDx
Classification: Uncertain significance. Last evaluated: 2023-02-28. Review status: criteria provided, single submitter. Criteria: GeneDx Variant Classification Process June 2021. Collection method: clinical testing. Allele origin: germline. Affected: yes.
Comment: In silico analysis supports that this missense variant has a deleterious effect on protein structure/function; Has not been previously published as pathogenic or benign to our knowledge

NM_001130823.3(DNMT1):c.2741G>A (p.Arg914His)

Gene: DNMT1 (DNA methyltransferase 1; minus strand). Cytogenetic location: 19p13.2.
Variant type: single nucleotide variant.
Coding change: c.2741G>A on transcript NM_001130823.3 (MANE Select); coding-DNA position 2741, G replaced by A.
Protein change: p.Arg914His; replaces arginine 914 with histidine.
Molecular consequence: missense variant.
Genome position (GRCh38, 1-based): chr19:10,146,504, C>T on the plus strand (G>A on the coding strand, the complement: DNMT1 is on the minus strand). VCF-style: chr19-10146504-C-T. GRCh37 (hg19) VCF-style: chr19-10257180-C-T.
Other names: c.2741G>A (NM_001130823.1); c.2693G>A, p.Arg898His (NM_001318730.2, NM_001379.4); c.2378G>A, p.Arg793His (NM_001318731.2); short protein forms R793H, R914H, R898H.
Identifiers: ClinVar variation 1408748 (VCV001408748.6), dbSNP rs756944531, ClinGen allele CA9187943.
Genomic context (GRCh38, chr19:10,146,504, plus strand): 5'-TCCAGGTCCTCGAGCTGCTCCAGGACCCTGGGGATTTCTTTTTGCCTCATCTCAGCCAGA[C>T]GGGCACAGCTCACACAGAATCTGAAGGAAACAAAGGGACAGAAACATAAGGCCCTGAGGT-3'
Protein context (NP_001124295.1, residues 904-924): NKFKFCVSCA[Arg914His]LAEMRQKEIP